The following is an entry in ClinVar:

ClinVar aggregate classification (germline): Conflicting classifications of pathogenicity. Review status: criteria provided, conflicting classifications (1 of 4 stars). 2 submissions from 2 submitters: Uncertain significance (1); Likely benign (1). Last evaluated 2023-03-23.

Conditions:
Hereditary cancer-predisposing syndrome. Also called: Hereditary Cancer Syndrome; Neoplastic Syndromes, Hereditary; Tumor predisposition; Hereditary neoplastic syndrome. Identifiers: Orphanet 140162, MedGen C0027672, MeSH D009386, MONDO:0015356.
Hereditary breast ovarian cancer syndrome. Also called: Breast and ovarian cancer; Hereditary breast and ovarian cancer syndrome (HBOC); Hereditary breast and ovarian cancer; Hereditary breast and/or ovarian cancer syndrome; BRCA1- and BRCA2-Associated Hereditary Breast and Ovarian Cancer; Hereditary breast and ovarian cancer syndrome. Identifiers: Orphanet 145, MedGen C0677776, MeSH D061325, MONDO:0003582. Disease mechanism: loss of function.

Submissions (2):

University of Washington Department of Laboratory Medicine, University of Washington
Classification: Likely benign for Hereditary cancer-predisposing syndrome. Last evaluated: 2023-03-23. Review status: criteria provided, single submitter. Criteria: Dines et al. (Genet Med. 2020). Collection method: curation. Allele origin: germline.
Comment: Missense variant in a coldspot region where missense variants are very unlikely to be pathogenic (PMID:31911673).

BRCA2 exon 11 coldspot. Reclassification based on statistical prior probability.

Labcorp Genetics (formerly Invitae), Labcorp
Classification: Uncertain significance for Hereditary breast ovarian cancer syndrome. Last evaluated: 2021-07-07. Review status: criteria provided, single submitter. Criteria: Invitae Variant Classification Sherloc (09022015). Collection method: clinical testing. Allele origin: germline.
Comment: In summary, the available evidence is currently insufficient to determine the role of this variant in disease. Therefore, it has been classified as a Variant of Uncertain Significance. Advanced modeling of protein sequence and biophysical properties (such as structural, functional, and spatial information, amino acid conservation, physicochemical variation, residue mobility, and thermodynamic stability) performed at Invitae indicates that this missense variant is not expected to disrupt BRCA2 protein function. This variant has not been reported in the literature in individuals with BRCA2-related conditions. This variant is not present in population databases (ExAC no frequency). This sequence change replaces aspartic acid with tyrosine at codon 796 of the BRCA2 protein (p.Asp796Tyr). The aspartic acid residue is weakly conserved and there is a large physicochemical difference between aspartic acid and tyrosine.

NM_000059.4(BRCA2):c.2386G>T (p.Asp796Tyr)

Gene: BRCA2 (BRCA2 DNA repair associated; plus strand). Cytogenetic location: 13q13.1.
Variant type: single nucleotide variant.
Coding change: c.2386G>T on transcript NM_000059.4 (MANE Select); coding-DNA position 2386, G replaced by T.
Protein change: p.Asp796Tyr; replaces aspartic acid 796 with tyrosine.
Molecular consequence: missense variant.
Genome position (GRCh38, 1-based): chr13:32,336,741, G>T. VCF-style: chr13-32336741-G-T. GRCh37 (hg19) VCF-style: chr13-32910878-G-T.
Other names: short protein forms D796Y.
Identifiers: ClinVar variation 1021092 (VCV001021092.10), dbSNP rs1555282650, ClinGen allele CA387771874.